The following is an entry in ClinVar:

ClinVar aggregate classification (germline): Pathogenic/Likely pathogenic. Review status: criteria provided, multiple submitters, no conflicts (2 of 4 stars). 2 submissions from 2 submitters: Pathogenic (1); Likely pathogenic (1). Last evaluated 2024-11-01.

Conditions:
Hereditary cancer-predisposing syndrome. Also called: Hereditary Cancer Syndrome; Hereditary neoplastic syndrome; Neoplastic Syndromes, Hereditary; Tumor predisposition. Identifiers: Orphanet 140162, MedGen C0027672, MeSH D009386, MONDO:0015356.
DICER1-related tumor predisposition. Also called: DICER1-related pleuropulmonary blastoma cancer predisposition syndrome; DICER1 syndrome. Identifiers: Orphanet 284343, MedGen C3839822, MONDO:0100216.

Submissions (2):

Ambry Genetics
Classification: Pathogenic for Hereditary cancer-predisposing syndrome. Last evaluated: 2024-11-01. Review status: criteria provided, single submitter. Criteria: Ambry Variant Classification Scheme 2023. Collection method: clinical testing. Allele origin: germline.
Comment: The c.711_717delAACTGAC pathogenic mutation, located in coding exon 5 of the DICER1 gene, results from a deletion of 7 nucleotides at nucleotide positions 711 to 717, causing a translational frameshift with a predicted alternate stop codon (p.T238Wfs*4). This variant is considered to be rare based on population cohorts in the Genome Aggregation Database (gnomAD). This alteration is expected to result in loss of function by premature protein truncation or nonsense-mediated mRNA decay. As such, this alteration is interpreted as a disease-causing mutation.

Institute for Genomic Medicine (IGM) Clinical Laboratory, Nationwide Children's Hospital
Classification: Likely pathogenic for DICER1-related tumor predisposition. Last evaluated: 2024-10-14. Review status: criteria provided, single submitter. Criteria: ACMG Guidelines, 2015. Collection method: clinical testing. Allele origin: germline.
Comment: This variant is predicted to result in loss of function through nonsense-mediated decay of the encoded transcript or premature truncation of the encoded protein in a gene in which loss of function is a known mechanism of disease (ACMG/AMP: PVS1; PMIDs:26925222, 31342592). This variant is absent from or present at an exceedingly low frequency in gnomAD, a large-scale control population database (ACMG/AMP: PM2).

Literature cited by the submitters: PubMed 26925222 (cited by Institute for Genomic Medicine (IGM) Clinical Laboratory, Nationwide Children's Hospital); PubMed 31342592 (cited by Institute for Genomic Medicine (IGM) Clinical Laboratory, Nationwide Children's Hospital).

NM_177438.3(DICER1):c.711_717del (p.Thr238fs)

Gene: DICER1 (dicer 1, ribonuclease III; minus strand). Cytogenetic location: 14q32.13.
Variant type: Deletion.
Coding change: c.711_717del on transcript NM_177438.3 (MANE Select); coding-DNA positions 711 to 717, 7 bases deleted (AACTGAC; older notation c.711_717delAACTGAC).
Protein change: p.Thr238fs; shifts the reading frame from threonine 238.
Molecular consequence: frameshift variant. On other transcripts: 5 prime UTR variant (1), non-coding transcript variant (6).
Genome position (GRCh38, 1-based): chr14:95,129,489-95,129,495, GTCAGTT deleted on the plus strand (AACTGAC on the coding strand, the reverse complement: DICER1 is on the minus strand); deleting any 7 consecutive bases within chr14:95,129,489-95,129,496 gives the same sequence; the c. name uses the placement nearest the transcript's 3' end. VCF-style (leftmost placement, unchanged base first): chr14-95129488-GGTCAGTT-G. GRCh37 (hg19) VCF-style: chr14-95595825-GGTCAGTT-G.
Other names: c.711_717delAACTGAC (NM_177438.2); c.711_717del, p.Thr238fs (NM_001195573.1, NM_001271282.3, NM_001291628.2 and 14 more transcripts); c.429_435del, p.Thr144fs (NM_001395686.1); c.306_312del, p.Thr103fs (NM_001395687.1, NM_001395688.1, NM_001395689.1 and 3 more transcripts); c.144_150del, p.Thr49fs (NM_001395691.1); c.-858_-852del (NM_001395697.1); short protein forms T144fs, T238fs, T103fs, T49fs.
Identifiers: ClinVar variation 3501928 (VCV003501928.2).